The following is an entry in ClinVar:

NM_003200.5(TCF3):c.1127G>T (p.Gly376Val)

Gene: TCF3 (transcription factor 3; minus strand). Cytogenetic location: 19p13.3.
Variant type: single nucleotide variant.
Coding change: c.1127G>T on transcript NM_003200.5 (MANE Select); coding-DNA position 1127, G replaced by T.
Protein change: p.Gly376Val; replaces glycine 376 with valine.
Molecular consequence: missense variant.
Genome position (GRCh38, 1-based): chr19:1,619,820, C>A on the plus strand (G>T on the coding strand, the complement: TCF3 is on the minus strand). VCF-style: chr19-1619820-C-A. GRCh37 (hg19) VCF-style: chr19-1619819-C-A.
Other names: c.1127G>T, p.Gly376Val (NM_001136139.4, NM_001351778.2, NM_001351779.2); c.1127G>T (NM_003200.3); short protein forms G376V.
Identifiers: ClinVar variation 1437166 (VCV001437166.7), dbSNP rs774647657, ClinGen allele CA9050043.

ClinVar aggregate classification (germline): Uncertain significance. Review status: criteria provided, multiple submitters, no conflicts (2 of 4 stars). 2 submissions from 2 submitters: Uncertain significance (2). Last evaluated 2025-08-30.

Conditions:
Inborn genetic diseases. Identifiers: MedGen C0950123, MeSH D030342.

Allele frequency attached by ClinVar (database versions not stated): gnomAD exomes 0.00007 and 0.00004; 1000 Genomes Project 30x 0.00016; ExAC 0.00027; TOPMed below 0.00001; gnomAD 0.00002.
gnomAD v4.1: 59 of 1,577,092 alleles (0.0037%); highest among the groups gnomAD compares: South Asian, 0.048%; no homozygotes.

Submissions (2):

Labcorp Genetics (formerly Invitae), Labcorp
Classification: Uncertain significance. Last evaluated: 2025-08-30. Review status: criteria provided, single submitter. Criteria: Invitae Variant Classification Sherloc (09022015). Collection method: clinical testing. Allele origin: germline.
Comment: This sequence change replaces glycine, which is neutral and non-polar, with valine, which is neutral and non-polar, at codon 376 of the TCF3 protein (p.Gly376Val). This variant is present in population databases (rs774647657, gnomAD 0.05%). This variant has not been reported in the literature in individuals affected with TCF3-related conditions. ClinVar contains an entry for this variant (Variation ID: 1437166). Invitae Evidence Modeling of protein sequence and biophysical properties (such as structural, functional, and spatial information, amino acid conservation, physicochemical variation, residue mobility, and thermodynamic stability) indicates that this missense variant is not expected to disrupt TCF3 protein function with a negative predictive value of 80%. In summary, the available evidence is currently insufficient to determine the role of this variant in disease. Therefore, it has been classified as a Variant of Uncertain Significance.

Ambry Genetics
Classification: Uncertain significance for Inborn genetic diseases. Last evaluated: 2024-04-23. Review status: criteria provided, single submitter. Criteria: Ambry Variant Classification Scheme 2023. Collection method: clinical testing. Allele origin: germline.